The following is an entry in ClinVar:

ClinVar aggregate classification (germline): Uncertain significance (1 of 4 stars; one submission).

Conditions:
CHARGE syndrome (CHARGE). Also called: Hittner Hirsch Kreh syndrome; CHARGE ASSOCIATION--COLOBOMA, HEART ANOMALY, CHOANAL ATRESIA, RETARDATION, GENITAL AND EAR ANOMALIES; Coloboma, heart anomaly, choanal atresia, retardation, genital and ear anomalies; CHARGE association; Hall-Hittner syndrome. Identifiers: Orphanet 138, MedGen C0265354, MONDO:0008965.

gnomAD v4.1: 2 of 1,613,696 alleles (0.00012%); highest among the groups gnomAD compares: African/African-American, 0.0013%; no homozygotes.

Submission:

Labcorp Genetics (formerly Invitae), Labcorp
Classification: Uncertain significance for CHARGE syndrome. Last evaluated: 2025-09-29. Review status: criteria provided, single submitter. Criteria: Invitae Variant Classification Sherloc (09022015). Collection method: clinical testing. Allele origin: germline.
Comment: This sequence change replaces alanine, which is neutral and non-polar, with valine, which is neutral and non-polar, at codon 772 of the CHD7 protein (p.Ala772Val). This variant is not present in population databases (gnomAD no frequency). This variant has not been reported in the literature in individuals affected with CHD7-related conditions. Invitae Evidence Modeling of protein sequence and biophysical properties (such as structural, functional, and spatial information, amino acid conservation, physicochemical variation, residue mobility, and thermodynamic stability) indicates that this missense variant is not expected to disrupt CHD7 protein function with a negative predictive value of 95%. In summary, the available evidence is currently insufficient to determine the role of this variant in disease. Therefore, it has been classified as a Variant of Uncertain Significance.

NM_017780.4(CHD7):c.2315C>T (p.Ala772Val)

Gene: CHD7 (chromodomain helicase DNA binding protein 7; plus strand). Cytogenetic location: 8q12.2.
Variant type: single nucleotide variant.
Coding change: c.2315C>T on transcript NM_017780.4 (MANE Select); coding-DNA position 2315, C replaced by T.
Protein change: p.Ala772Val; replaces alanine 772 with valine.
Molecular consequence: missense variant. On other transcripts: intron variant (1).
Genome position (GRCh38, 1-based): chr8:60,800,464, C>T. VCF-style: chr8-60800464-C-T. GRCh37 (hg19) VCF-style: chr8-61713023-C-T.
Other names: c.1716+19414C>T (NM_001316690.1); short protein forms A772V.
Identifiers: ClinVar variation 4804435 (VCV004804435.1).